The following is an entry in ClinVar:

NM_001204.7(BMPR2):c.1736T>C (p.Ile579Thr)

Gene: BMPR2 (bone morphogenetic protein receptor type 2; plus strand). Cytogenetic location: 2q33.2.
Variant type: single nucleotide variant.
Coding change: c.1736T>C on transcript NM_001204.7 (MANE Select); coding-DNA position 1736, T replaced by C.
Protein change: p.Ile579Thr; replaces isoleucine 579 with threonine.
Molecular consequence: missense variant.
Genome position (GRCh38, 1-based): chr2:202,555,401, T>C. VCF-style: chr2-202555401-T-C. GRCh37 (hg19) VCF-style: chr2-203420124-T-C.
Other names: short protein forms I579T.
Identifiers: ClinVar variation 4214562 (VCV004214562.1).

ClinVar aggregate classification (germline): Uncertain significance (1 of 4 stars; one submission).

Conditions:
Inborn genetic diseases. Identifiers: MedGen C0950123, MeSH D030342.

Submission:

Ambry Genetics
Classification: Uncertain significance for Inborn genetic diseases. Last evaluated: 2025-09-11. Review status: criteria provided, single submitter. Criteria: Ambry Variant Classification Scheme 2023. Collection method: clinical testing. Allele origin: germline.
Comment: The p.I579T variant (also known as c.1736T>C), located in coding exon 12 of the BMPR2 gene, results from a T to C substitution at nucleotide position 1736. The isoleucine at codon 579 is replaced by threonine, an amino acid with similar properties. This amino acid position is conserved. In addition, this alteration is predicted to be tolerated by in silico analysis. Based on the available evidence, the clinical significance of this variant remains unclear.